The following is an entry in ClinVar:

NM_022489.4(INF2):c.*2-14TC[3]

Gene: INF2 (inverted formin 2; plus strand). Cytogenetic location: 14q32.33.
Variant type: Microsatellite.
Coding change: c.*2-14TC[3] on transcript NM_022489.4 (MANE Select); three copies in a row of the 2-base unit TC starting at c.*2-14.
Molecular consequence: intron variant.
Genome position: GRCh38 VCF-style: chr14-104718780-TTC-T. GRCh37 (hg19) VCF-style: chr14-105185117-TTC-T.
Other names: c.3695-14TC[3] (NM_001031714.4).
Identifiers: ClinVar variation 3041483 (VCV003041483.3), dbSNP rs752072415, ClinGen allele CA7373435.

ClinVar aggregate classification (germline): Likely benign. Review status: criteria provided, single submitter (1 of 4 stars). 2 submissions from 2 submitters: Likely benign (1). 1 of the submissions does not count toward it. Last evaluated 2024-09-13.

Conditions:
INF2-related disorder. Also called: INF2-related condition.

Submissions (2):

Blueprint Genetics
Classification: Likely benign. Last evaluated: 2024-09-13. Review status: criteria provided, single submitter. Criteria: ACMG Guidelines, 2015. Collection method: clinical testing. Allele origin: germline.

PreventionGenetics, part of Exact Sciences
Classification: Likely benign for INF2-related condition. Last evaluated: 2019-08-29. Review status: no assertion criteria provided. Collection method: clinical testing. Allele origin: germline. Not counted in ClinVar's aggregate classification.
Comment: This variant is classified as likely benign based on ACMG/AMP sequence variant interpretation guidelines (Richards et al. 2015 PMID: 25741868, with internal and published modifications).